The following is an entry in ClinVar:

ClinVar aggregate classification (germline): Uncertain significance (1 of 4 stars; one submission).

Conditions:
Frontotemporal dementia and/or amyotrophic lateral sclerosis 6 (FTDALS6). Also called: VCP-Related Amyotrophic Lateral Sclerosis; VCP-Related Amyotrophic Lateral Sclerosis/Frontotemporal Dementia. Identifiers: Orphanet 275872, Orphanet 803, MedGen C5436279, MONDO:0013501, OMIM 613954.
Inclusion body myopathy with Paget disease of bone and frontotemporal dementia. Also called: Inclusion body myopathy with early-onset Paget disease and frontotemporal dementia. Identifiers: Orphanet 52430, MedGen C1833662, MONDO:0000507.

Submission:

Labcorp Genetics (formerly Invitae), Labcorp
Classification: Uncertain significance for Inclusion body myopathy with Paget disease of bone and frontotemporal dementia; Frontotemporal dementia and/or amyotrophic lateral sclerosis 6. Last evaluated: 2024-09-27. Review status: criteria provided, single submitter. Criteria: Invitae Variant Classification Sherloc (09022015). Collection method: clinical testing. Allele origin: germline.
Comment: This sequence change replaces arginine, which is basic and polar, with lysine, which is basic and polar, at codon 708 of the VCP protein (p.Arg708Lys). This variant is not present in population databases (gnomAD no frequency). This variant has not been reported in the literature in individuals affected with VCP-related conditions. Invitae Evidence Modeling of protein sequence and biophysical properties (such as structural, functional, and spatial information, amino acid conservation, physicochemical variation, residue mobility, and thermodynamic stability) indicates that this missense variant is not expected to disrupt VCP protein function with a negative predictive value of 95%. In summary, the available evidence is currently insufficient to determine the role of this variant in disease. Therefore, it has been classified as a Variant of Uncertain Significance.

NM_007126.5(VCP):c.2123G>A (p.Arg708Lys)

Gene: VCP (valosin containing protein; minus strand). Cytogenetic location: 9p13.3.
Variant type: single nucleotide variant.
Coding change: c.2123G>A on transcript NM_007126.5 (MANE Select); coding-DNA position 2123, G replaced by A.
Protein change: p.Arg708Lys; replaces arginine 708 with lysine.
Molecular consequence: missense variant.
Genome position (GRCh38, 1-based): chr9:35,059,101, C>T on the plus strand (G>A on the coding strand, the complement: VCP is on the minus strand). VCF-style: chr9-35059101-C-T. GRCh37 (hg19) VCF-style: chr9-35059098-C-T.
Other names: c.1988G>A, p.Arg663Lys (NM_001354927.2, NM_001354928.2); short protein forms R663K, R708K.
Identifiers: ClinVar variation 3753916 (VCV003753916.2).
Genomic context (GRCh38, chr9:35,059,101, plus strand): 5'-CTGGGGAAAGGATGCAGACTCACCATGGCTGATGGGTTTGTCTGCCTCTCTCGTTCTCGC[C>T]TAATCTCACTCTCGATGGATTCACGGATGGCCAGCTTGCAAGCACGCTGGCAAATCTCTG-3'
Protein context (NP_009057.1, residues 698-718): AIRESIESEI[Arg708Lys]RERERQTNPS